The following is an entry in ClinVar:

ClinVar aggregate classification (germline): Uncertain significance (1 of 4 stars; one submission).

Submission:

Labcorp Genetics (formerly Invitae), Labcorp
Classification: Uncertain significance. Last evaluated: 2022-09-01. Review status: criteria provided, single submitter. Criteria: Invitae Variant Classification Sherloc (09022015). Collection method: clinical testing. Allele origin: germline.
Comment: This variant has not been reported in the literature in individuals affected with ADIPOR1-related conditions. In summary, the available evidence is currently insufficient to determine the role of this variant in disease. Therefore, it has been classified as a Variant of Uncertain Significance. Algorithms developed to predict the effect of missense changes on protein structure and function are either unavailable or do not agree on the potential impact of this missense change (SIFT: "Deleterious"; PolyPhen-2: "Probably Damaging"; Align-GVGD: "Class C15"). This variant is not present in population databases (gnomAD no frequency). This sequence change replaces asparagine, which is neutral and polar, with aspartic acid, which is acidic and polar, at codon 107 of the ADIPOR1 protein (p.Asn107Asp).

NM_015999.6(ADIPOR1):c.319A>G (p.Asn107Asp)

Gene: ADIPOR1 (adiponectin receptor 1; minus strand). Cytogenetic location: 1q32.1.
Variant type: single nucleotide variant.
Coding change: c.319A>G on transcript NM_015999.6 (MANE Select); coding-DNA position 319, A replaced by G.
Protein change: p.Asn107Asp; replaces asparagine 107 with aspartic acid.
Molecular consequence: missense variant.
Genome position (GRCh38, 1-based): chr1:202,946,550, T>C on the plus strand (A>G on the coding strand, the complement: ADIPOR1 is on the minus strand). VCF-style: chr1-202946550-T-C. GRCh37 (hg19) VCF-style: chr1-202915678-T-C.
Other names: c.319A>G, p.Asn107Asp (NM_001127687.1, NM_001290553.2, NM_001290557.1 and 1 more transcripts); short protein forms N107D.
Identifiers: ClinVar variation 1718599 (VCV001718599.5), dbSNP rs2527470288, ClinGen allele CA344282365.
Genomic context (GRCh38, chr1:202,946,550, plus strand): 5'-TCTTGAAGCAAGCCCGAAAGGAGGGCATGGGAGGTCTATGACCATGTAGCAGATAGTCGT[T>C]GTCCTTTAGCCAGTCAGGGAGCACATCATATGGGATGACCCTCCAACGTCCCTCCCAGAC-3'
Protein context (NP_057083.2, residues 97-117): YDVLPDWLKD[Asn107Asp]DYLLHGHRPP